The following is an entry in ClinVar:

NC_000006.12:g.145502506G>A

Gene: EPM2A (EPM2A glucan phosphatase, laforin; minus strand). Cytogenetic location: 6q24.3.
Variant type: single nucleotide variant.
Genome position: GRCh38 VCF-style: chr6-145502506-G-A. GRCh37 (hg19) VCF-style: chr6-145823642-G-A.
Identifiers: ClinVar variation 3255263 (VCV003255263.2), dbSNP rs370653.

ClinVar aggregate classification (germline): Benign (1 of 4 stars; one submission).

Allele frequency attached by ClinVar (database versions not stated): TOPMed 0.43840; gnomAD 0.45056; 1000 Genomes Project 30x 0.46205; 1000 Genomes Project 0.46625; gnomAD exomes 0.47959; ExAC 0.51018.
gnomAD v4.1: 220,370 of 468,968 alleles (47%); highest among the groups gnomAD compares: South Asian, 58%; 52,655 homozygotes.

Submission:

Unidad de Genómica Garrahan, Hospital de Pediatría Garrahan
Classification: Benign. Last evaluated: 2024-07-15. Review status: criteria provided, single submitter. Criteria: ACMG Guidelines, 2015. Collection method: clinical testing. Allele origin: germline. Affected: no. Observed: 55 variant alleles.
Comment: This variant is classified as Benign based on local population frequency. This variant was detected in 59% of patients studied in a panel designed for Epileptic and Developmental Encephalopathy and Progressive Myoclonus Epilepsy. Number of patients: 55. Only high quality variants are reported.